The following is an entry in ClinVar:

NM_025074.7(FRAS1):c.4364C>T (p.Ala1455Val)

Gene: FRAS1 (Fraser extracellular matrix complex subunit 1; plus strand). Cytogenetic location: 4q21.21.
Variant type: single nucleotide variant.
Coding change: c.4364C>T on transcript NM_025074.7 (MANE Select); coding-DNA position 4364, C replaced by T.
Protein change: p.Ala1455Val; replaces alanine 1455 with valine.
Molecular consequence: missense variant.
Genome position (GRCh38, 1-based): chr4:78,413,024, C>T. VCF-style: chr4-78413024-C-T. GRCh37 (hg19) VCF-style: chr4-79334178-C-T.
Other names: c.4364C>T, p.Ala1455Val (NM_001166133.2); short protein forms A1455V.
Identifiers: ClinVar variation 349711 (VCV000349711.14), dbSNP rs201693179, ClinGen allele CA2977173.

ClinVar aggregate classification (germline): Uncertain significance. Review status: criteria provided, multiple submitters, no conflicts (2 of 4 stars). 6 submissions from 6 submitters: Uncertain significance (6). Last evaluated 2026-08-10.

Conditions:
Fraser syndrome 1 (FRASRS1). Also called: CRYPTOPHTHALMOS WITH OTHER MALFORMATIONS. Identifiers: Orphanet 2052, MedGen C4551480, MONDO:0054737, OMIM 219000.

Allele frequency attached by ClinVar (database versions not stated): TOPMed 0.00041; gnomAD 0.00044 and 0.00046; ExAC 0.00039; ESP Exome Variant Server 0.00073; gnomAD exomes 0.00032 and 0.00052.
gnomAD v4.1: 808 of 1,610,514 alleles (0.05%); highest among the groups gnomAD compares: Non-Finnish European, 0.066%; 1 homozygote.

Submissions (6):

GeneDx
Classification: Uncertain significance. Last evaluated: 2026-08-10. Review status: criteria provided, single submitter. Criteria: GeneDx Variant Classification Process June 2021. Collection method: clinical testing. Allele origin: germline.
Comment: Reported in a patient with focal segmental glomerulosclerosis in published literature (PMID: 31308072); In silico analysis suggests that this missense variant does not alter protein structure/function; This variant is associated with the following publications: (PMID: 31308072)

Labcorp Genetics (formerly Invitae), Labcorp
Classification: Uncertain significance. Last evaluated: 2022-04-17. Review status: criteria provided, single submitter. Criteria: Invitae Variant Classification Sherloc (09022015). Collection method: clinical testing. Allele origin: germline.
Comment: This sequence change replaces alanine, which is neutral and non-polar, with valine, which is neutral and non-polar, at codon 1455 of the FRAS1 protein (p.Ala1455Val). This variant is present in population databases (rs201693179, gnomAD 0.06%). This variant has not been reported in the literature in individuals affected with FRAS1-related conditions. ClinVar contains an entry for this variant (Variation ID: 349711). Algorithms developed to predict the effect of missense changes on protein structure and function are either unavailable or do not agree on the potential impact of this missense change (SIFT: "Deleterious"; PolyPhen-2: "Benign"; Align-GVGD: "Class C15"). In summary, the available evidence is currently insufficient to determine the role of this variant in disease. Therefore, it has been classified as a Variant of Uncertain Significance.

Department of Pathology and Laboratory Medicine, Sinai Health System
Classification: Uncertain significance for Fraser syndrome 1. Last evaluated: 2022-01-25. Review status: criteria provided, single submitter. Criteria: ACMG Guidelines, 2015. Collection method: research. Allele origin: germline.

Eurofins Ntd Llc (ga)
Classification: Uncertain significance. Last evaluated: 2018-09-06. Review status: criteria provided, single submitter. Criteria: EGL ClinVar v180209 classification definitions. Collection method: clinical testing. Allele origin: germline. Observed: 1 variant allele, 1 heterozygote.

Illumina Laboratory Services, Illumina
Classification: Uncertain significance for Fraser syndrome 1. Last evaluated: 2018-01-13. Review status: criteria provided, single submitter. Criteria: ICSL Variant Classification Criteria 13 December 2019. Collection method: clinical testing. Allele origin: germline.

Breakthrough Genomics
Classification: Uncertain significance. Review status: criteria provided, single submitter. Criteria: ACMG Guidelines, 2015. Collection method: not provided. Allele origin: germline. Inheritance: Autosomal recessive inheritance. Affected: yes.